The following is an entry in ClinVar:

ClinVar aggregate classification (germline): Likely benign (1 of 4 stars; one submission).

Conditions:
IFRD1-related disorder. Also called: IFRD1-related condition.

gnomAD v4.1: 288 of 1,612,756 alleles (0.018%); highest among the groups gnomAD compares: East Asian, 0.2%; 1 homozygote.

Submission:

PreventionGenetics, part of Exact Sciences
Classification: Likely benign for IFRD1-related condition. Last evaluated: 2025-06-09. Review status: criteria provided, single submitter. Criteria: ACMG Guidelines, 2015. Collection method: clinical testing. Allele origin: germline.
Comment: This variant is classified as likely benign based on ACMG/AMP sequence variant interpretation guidelines (Richards et al. 2015 PMID: 25741868, with internal and published modifications).

NM_001550.4(IFRD1):c.1241C>T (p.Thr414Met)

Gene: IFRD1 (interferon related developmental regulator 1; plus strand). Cytogenetic location: 7q31.1.
Variant type: single nucleotide variant.
Coding change: c.1241C>T on transcript NM_001550.4 (MANE Select); coding-DNA position 1241, C replaced by T.
Protein change: p.Thr414Met; replaces threonine 414 with methionine.
Molecular consequence: missense variant. On other transcripts: non-coding transcript variant (1).
Genome position (GRCh38, 1-based): chr7:112,472,836, C>T. VCF-style: chr7-112472836-C-T. GRCh37 (hg19) VCF-style: chr7-112112891-C-T.
Other names: c.1241C>T, p.Thr414Met (NM_001007245.3); c.1091C>T, p.Thr364Met (NM_001197079.2, NM_001197080.2); short protein forms T364M, T414M.
Identifiers: ClinVar variation 4981264 (VCV004981264.1).